The following is an entry in ClinVar:

ClinVar aggregate classification (germline): Likely pathogenic. Review status: criteria provided, multiple submitters, no conflicts (2 of 4 stars). 2 submissions from 2 submitters: Likely pathogenic (2). Last evaluated 2024-08-02.

Conditions:
Plasma factor XI deficiency.

Allele frequency attached by ClinVar (database versions not stated): TOPMed below 0.00001.

Submissions (2):

Natera, Inc.
Classification: Likely pathogenic for Plasma factor XI deficiency. Last evaluated: 2024-08-02. Review status: criteria provided, single submitter. Criteria: Natera Variant Classification Schema (03/2026). Collection method: clinical testing. Allele origin: germline.
Comment: The c.1136-1G>C variant in F11 is a canonical splice acceptor site variant predicted to affect pre-mRNA splicing, which may result in an abnormal transcript and altered protein product. This variant is expected to result in nonsense mediated decay, truncation, or a dysfunctional protein product. This variant is rare in the general population with a frequency below the threshold expected for the associated phenotype(s). Given the available evidence, this variant is classified as Likely Pathogenic.

Labcorp Genetics (formerly Invitae), Labcorp
Classification: Likely pathogenic. Last evaluated: 2021-10-09. Review status: criteria provided, single submitter. Criteria: Invitae Variant Classification Sherloc (09022015). Collection method: clinical testing. Allele origin: germline.
Comment: In summary, the currently available evidence indicates that the variant is pathogenic, but additional data are needed to prove that conclusively. Therefore, this variant has been classified as Likely Pathogenic. Algorithms developed to predict the effect of sequence changes on RNA splicing suggest that this variant may disrupt the consensus splice site. This variant has not been reported in the literature in individuals affected with F11-related conditions. This variant is not present in population databases (ExAC no frequency). This sequence change affects an acceptor splice site in intron 10 of the F11 gene. It is expected to disrupt RNA splicing. Variants that disrupt the donor or acceptor splice site typically lead to a loss of protein function (PMID: 16199547), and loss-of-function variants in F11 are known to be pathogenic (PMID: 23929304).

Literature cited by the submitters: PubMed 16199547 (cited by Labcorp Genetics (formerly Invitae), Labcorp); PubMed 23929304 (cited by Labcorp Genetics (formerly Invitae), Labcorp).

NM_000128.4(F11):c.1136-1G>C

Gene: F11 (coagulation factor XI; plus strand). Cytogenetic location: 4q35.2.
Variant type: single nucleotide variant.
Coding change: c.1136-1G>C on transcript NM_000128.4 (MANE Select); the canonical splice acceptor site of the intron before coding-DNA position 1136, G replaced by C.
Molecular consequence: splice acceptor variant.
Genome position (GRCh38, 1-based): chr4:186,284,091, G>C. VCF-style: chr4-186284091-G-C. GRCh37 (hg19) VCF-style: chr4-187205245-G-C.
Other names: c.1136-1G>C (NM_000128.3).
Identifiers: ClinVar variation 1494281 (VCV001494281.8), dbSNP rs941166157, ClinGen allele CA112102237.